The following is an entry in ClinVar:

NM_000047.3(ARSL):c.995G>A (p.Arg332Gln)

Gene: ARSL (arylsulfatase L; minus strand). Cytogenetic location: Xp22.33.
Variant type: single nucleotide variant.
Coding change: c.995G>A on transcript NM_000047.3 (MANE Select); coding-DNA position 995, G replaced by A.
Protein change: p.Arg332Gln; replaces arginine 332 with glutamine.
Molecular consequence: missense variant.
Genome position (GRCh38, 1-based): chrX:2,943,196, C>T on the plus strand (G>A on the coding strand, the complement: ARSL is on the minus strand). VCF-style: chrX-2943196-C-T. GRCh37 (hg19) VCF-style: chrX-2861237-C-T.
Other names: c.1070G>A, p.Arg357Gln (NM_001282628.2, NM_001369080.1); c.833G>A, p.Arg278Gln (NM_001282631.2); c.1022G>A, p.Arg341Gln (NM_001369079.1); short protein forms R278Q, R332Q, R341Q, R357Q.
Identifiers: ClinVar variation 1683190 (VCV001683190.5), dbSNP rs762087807, ClinGen allele CA10338097.

ClinVar aggregate classification (germline): Uncertain significance (1 of 4 stars; one submission).

Conditions:
Chondrodysplasia punctata, brachytelephalangic, autosomal. Also called: BRACHYTELEPHALANGIC CHONDRODYSPLASIA PUNCTATA. Identifiers: MedGen C1844853, MONDO:0011238, OMIM 602497.

Allele frequency attached by ClinVar (database versions not stated): ExAC 0.00001; gnomAD exomes 0.00001 and 0.00002.
gnomAD v4.1: 11 of 1,210,219 alleles (0.00091%); highest among the groups gnomAD compares: East Asian, 0.003%; no homozygotes.

Submission:

Labcorp Genetics (formerly Invitae), Labcorp
Classification: Uncertain significance for Chondrodysplasia punctata, brachytelephalangic, autosomal. Last evaluated: 2024-10-16. Review status: criteria provided, single submitter. Criteria: Invitae Variant Classification Sherloc (09022015). Collection method: clinical testing. Allele origin: germline.
Comment: This sequence change replaces arginine, which is basic and polar, with glutamine, which is neutral and polar, at codon 332 of the ARSE protein (p.Arg332Gln). This variant is present in population databases (rs762087807, gnomAD 0.008%). This variant has not been reported in the literature in individuals affected with ARSE-related conditions. ClinVar contains an entry for this variant (Variation ID: 1683190). Invitae Evidence Modeling of protein sequence and biophysical properties (such as structural, functional, and spatial information, amino acid conservation, physicochemical variation, residue mobility, and thermodynamic stability) indicates that this missense variant is not expected to disrupt ARSE protein function with a negative predictive value of 80%. Algorithms developed to predict the effect of sequence changes on RNA splicing suggest that this variant may create or strengthen a splice site. In summary, the available evidence is currently insufficient to determine the role of this variant in disease. Therefore, it has been classified as a Variant of Uncertain Significance.